The following is an entry in ClinVar:

ClinVar aggregate classification (germline): Uncertain significance (1 of 4 stars; one submission).

gnomAD v4.1: 5 of 1,550,406 alleles (0.00032%); highest among the groups gnomAD compares: Non-Finnish European, 0.00044%; no homozygotes.

Submission:

Labcorp Genetics (formerly Invitae), Labcorp
Classification: Uncertain significance. Last evaluated: 2023-11-10. Review status: criteria provided, single submitter. Criteria: Invitae Variant Classification Sherloc (09022015). Collection method: clinical testing. Allele origin: germline.
Comment: This sequence change replaces arginine, which is basic and polar, with proline, which is neutral and non-polar, at codon 1164 of the PIEZO1 protein (p.Arg1164Pro). This variant is not present in population databases (gnomAD no frequency). This variant has not been reported in the literature in individuals affected with PIEZO1-related conditions. Advanced modeling of protein sequence and biophysical properties (such as structural, functional, and spatial information, amino acid conservation, physicochemical variation, residue mobility, and thermodynamic stability) performed at Invitae indicates that this missense variant is expected to disrupt PIEZO1 protein function with a positive predictive value of 80%. In summary, the available evidence is currently insufficient to determine the role of this variant in disease. Therefore, it has been classified as a Variant of Uncertain Significance.

NM_001142864.4(PIEZO1):c.3491G>C (p.Arg1164Pro)

Gene: PIEZO1 (piezo type mechanosensitive ion channel component 1 (Er blood group); minus strand). Cytogenetic location: 16q24.3.
Variant type: single nucleotide variant.
Coding change: c.3491G>C on transcript NM_001142864.4 (MANE Select); coding-DNA position 3491, G replaced by C.
Protein change: p.Arg1164Pro; replaces arginine 1164 with proline.
Molecular consequence: missense variant.
Genome position (GRCh38, 1-based): chr16:88,726,923, C>G on the plus strand (G>C on the coding strand, the complement: PIEZO1 is on the minus strand). VCF-style: chr16-88726923-C-G. GRCh37 (hg19) VCF-style: chr16-88793331-C-G.
Other names: c.2033G>C, p.Arg678Pro (NM_014745.1); short protein forms R678P, R1164P.
Identifiers: ClinVar variation 2694839 (VCV002694839.3), dbSNP rs753916621, ClinGen allele CA397104773.
Genomic context (GRCh38, chr16:88,726,923, plus strand): 5'-ATGCTGATGCGGGTGGCCCCCGTGACAAACACCACCACCAGCACCAGCCAGAACAGGTAT[C>G]GGAAGACGGCCACCTTCAGCATGTCAAGGTAGGACCTGCCAGGCCGGAGCGTCAGGGCGG-3'
Protein context (NP_001136336.2, residues 1154-1174): YLDMLKVAVF[Arg1164Pro]YLFWLVLVVV